The following is an entry in ClinVar:

NM_024921.4(POF1B):c.*313C>T

Gene: POF1B (POF1B actin binding protein; minus strand). Cytogenetic location: Xq21.1.
Variant type: single nucleotide variant.
Coding change: c.*313C>T on transcript NM_024921.4 (MANE Select); 313 bases downstream of the stop codon, C replaced by T.
Molecular consequence: 3 prime UTR variant.
Genome position (GRCh38, 1-based): chrX:85,279,108, G>A on the plus strand (C>T on the coding strand, the complement: POF1B is on the minus strand). VCF-style: chrX-85279108-G-A. GRCh37 (hg19) VCF-style: chrX-84534114-G-A.
Identifiers: ClinVar variation 913266 (VCV000913266.5), dbSNP rs201276514, ClinGen allele CA332539621.

ClinVar aggregate classification (germline): Benign. Review status: criteria provided, multiple submitters, no conflicts (2 of 4 stars). 2 submissions from 2 submitters: Benign (2). Last evaluated 2018-01-12.

Conditions:
Premature ovarian failure 2B. Identifiers: MedGen C1845105, MONDO:0010373, OMIM 300604.

Allele frequency attached by ClinVar (database versions not stated): gnomAD exomes 0.00117; gnomAD 0.00811 and 0.00879; TOPMed 0.00946; 1000 Genomes Project 30x 0.00957; 1000 Genomes Project 0.01007.
gnomAD v4.1: 1,011 of 199,074 alleles (0.51%); highest among the groups gnomAD compares: African/African-American, 2.8%; 12 homozygotes.

Submissions (2):

Illumina Laboratory Services, Illumina
Classification: Benign for Premature ovarian failure 2B. Last evaluated: 2018-01-12. Review status: criteria provided, single submitter. Criteria: ICSL Variant Classification Criteria 13 December 2019. Collection method: clinical testing. Allele origin: germline.
Comment: This variant was observed in the ICSL laboratory as part of a predisposition screen in an ostensibly healthy population. It had not been previously curated by ICSL or reported in the Human Gene Mutation Database (HGMD: prior to June 1st, 2018), and was therefore a candidate for classification through an automated scoring system. Utilizing variant allele frequency, disease prevalence and penetrance estimates, and inheritance mode, an automated score was calculated to assess if this variant is too frequent to cause the disease. Based on the score and internal cut-off values, a variant classified as benign is not then subjected to further curation. The score for this variant resulted in a classification of benign for this disease.

Breakthrough Genomics
Classification: Benign. Review status: criteria provided, single submitter. Criteria: ACMG Guidelines, 2015. Collection method: not provided. Allele origin: germline. Inheritance: X-linked inheritance. Affected: yes.